The following is an entry in ClinVar:

ClinVar aggregate classification (germline): Likely benign (0 of 4 stars; one submission).

Conditions:
SPTBN5-related disorder. Also called: SPTBN5-related condition.

Allele frequency attached by ClinVar (database versions not stated): ExAC 0.00102; ESP Exome Variant Server 0.00164; 1000 Genomes Project 0.00220; 1000 Genomes Project 30x 0.00234.
gnomAD v4.1: 429 of 1,550,766 alleles (0.028%); highest among the groups gnomAD compares: African/African-American, 0.5%; 1 homozygote.

Submission:

PreventionGenetics, part of Exact Sciences
Classification: Likely benign for SPTBN5-related condition. Last evaluated: 2020-02-24. Review status: no assertion criteria provided. Collection method: clinical testing. Allele origin: germline.
Comment: This variant is classified as likely benign based on ACMG/AMP sequence variant interpretation guidelines (Richards et al. 2015 PMID: 25741868, with internal and published modifications).

NM_016642.4(SPTBN5):c.10665G>C (p.Ser3555=)

Gene: SPTBN5 (spectrin beta, non-erythrocytic 5; minus strand). Cytogenetic location: 15q15.1.
Variant type: single nucleotide variant.
Coding change: c.10665G>C on transcript NM_016642.4 (MANE Select); coding-DNA position 10665, G replaced by C.
Protein change: p.Ser3555=; no amino-acid change (serine 3555 retained).
Molecular consequence: synonymous variant.
Genome position (GRCh38, 1-based): chr15:41,851,361, C>G on the plus strand (G>C on the coding strand, the complement: SPTBN5 is on the minus strand). VCF-style: chr15-41851361-C-G. GRCh37 (hg19) VCF-style: chr15-42143559-C-G.
Identifiers: ClinVar variation 3051130 (VCV003051130.2), dbSNP rs73403296, ClinGen allele CA7500845.